The following is an entry in ClinVar:

ClinVar aggregate classification (germline): Uncertain significance (1 of 4 stars; one submission).

Conditions:
Hereditary cancer-predisposing syndrome. Also called: Neoplastic Syndromes, Hereditary; Tumor predisposition; Hereditary neoplastic syndrome; Hereditary Cancer Syndrome. Identifiers: Orphanet 140162, MedGen C0027672, MeSH D009386, MONDO:0015356.

Submission:

Ambry Genetics
Classification: Uncertain significance for Hereditary cancer-predisposing syndrome. Last evaluated: 2024-02-22. Review status: criteria provided, single submitter. Criteria: Ambry Variant Classification Scheme 2023. Collection method: clinical testing. Allele origin: germline.
Comment: The p.M100T variant (also known as c.299T>C), located in coding exon 3 of the RAD50 gene, results from a T to C substitution at nucleotide position 299. The methionine at codon 100 is replaced by threonine, an amino acid with similar properties. This amino acid position is conserved. In addition, this alteration is predicted to be deleterious by in silico analysis. Based on the available evidence, the clinical significance of this alteration remains unclear.

NM_005732.4(RAD50):c.299T>C (p.Met100Thr)

Gene: RAD50 (RAD50 double strand break repair protein; plus strand). Cytogenetic location: 5q31.1.
Variant type: single nucleotide variant.
Coding change: c.299T>C on transcript NM_005732.4 (MANE Select); coding-DNA position 299, T replaced by C.
Protein change: p.Met100Thr; replaces methionine 100 with threonine.
Molecular consequence: missense variant.
Genome position (GRCh38, 1-based): chr5:132,575,862, T>C. VCF-style: chr5-132575862-T-C. GRCh37 (hg19) VCF-style: chr5-131911554-T-C.
Other names: short protein forms M100T.
Identifiers: ClinVar variation 3224968 (VCV003224968.1), dbSNP rs2479608333, ClinGen allele CA360930955.